The following is an entry in ClinVar:

ClinVar aggregate classification (germline): Conflicting classifications of pathogenicity. Review status: criteria provided, conflicting classifications (1 of 4 stars). 2 submissions from 2 submitters: Uncertain significance (1); Likely benign (1). Last evaluated 2025-03-03.

Allele frequency attached by ClinVar (database versions not stated): gnomAD exomes below 0.00001; ExAC 0.00001; gnomAD 0.00003; TOPMed 0.00004; ESP Exome Variant Server 0.00008.
gnomAD v4.1: 11 of 1,609,666 alleles (0.00068%); highest among the groups gnomAD compares: African/African-American, 0.012%; no homozygotes.

Submissions (2):

Women's Health and Genetics/Laboratory Corporation of America, LabCorp
Classification: Uncertain significance. Last evaluated: 2025-03-03. Review status: criteria provided, single submitter. Criteria: LabCorp Variant Classification Summary - May 2015. Collection method: clinical testing. Allele origin: germline.
Comment: Variant summary: DNASE1L3 c.546+8C>T alters a nucleotide located close to a canonical splice site and therefore could affect mRNA splicing, leading to a significantly altered protein sequence. Consensus agreement among computation tools predict no significant impact on normal splicing. However, these predictions have yet to be confirmed by functional studies. The variant allele was found at a frequency of 1.2e-05 in 248562 control chromosomes. The available data on variant occurrences in the general population are insufficient to allow any conclusion about variant significance. To our knowledge, no occurrence of c.546+8C>T in individuals affected with Autosomal systemic lupus erythematosus type 16 and no experimental evidence demonstrating its impact on protein function have been reported. ClinVar contains an entry for this variant (Variation ID: 2177085). Based on the evidence outlined above, the variant was classified as uncertain significance.

Labcorp Genetics (formerly Invitae), Labcorp
Classification: Likely benign. Last evaluated: 2024-03-28. Review status: criteria provided, single submitter. Criteria: Invitae Variant Classification Sherloc (09022015). Collection method: clinical testing. Allele origin: germline.

NM_004944.4(DNASE1L3):c.546+8C>T

Gene: DNASE1L3 (deoxyribonuclease 1L3; minus strand). Cytogenetic location: 3p14.3.
Variant type: single nucleotide variant.
Coding change: c.546+8C>T on transcript NM_004944.4 (MANE Select); 8 bases into the intron after coding-DNA position 546, C replaced by T.
Molecular consequence: intron variant.
Genome position (GRCh38, 1-based): chr3:58,200,989, G>A on the plus strand (C>T on the coding strand, the complement: DNASE1L3 is on the minus strand). VCF-style: chr3-58200989-G-A. GRCh37 (hg19) VCF-style: chr3-58186716-G-A.
Other names: c.456+8C>T (NM_001256560.2).
Identifiers: ClinVar variation 2177085 (VCV002177085.5), dbSNP rs373126531, ClinGen allele CA2469942.